The following is an entry in ClinVar:

NM_001123385.2(BCOR):c.2491G>A (p.Val831Ile)

Gene: BCOR (BCL6 corepressor; minus strand). Cytogenetic location: Xp11.4.
Variant type: single nucleotide variant.
Coding change: c.2491G>A on transcript NM_001123385.2 (MANE Select); coding-DNA position 2491, G replaced by A.
Protein change: p.Val831Ile; replaces valine 831 with isoleucine.
Molecular consequence: missense variant.
Genome position (GRCh38, 1-based): chrX:40,072,855, C>T on the plus strand (G>A on the coding strand, the complement: BCOR is on the minus strand). VCF-style: chrX-40072855-C-T. GRCh37 (hg19) VCF-style: chrX-39932108-C-T.
Other names: c.2491G>A, p.Val831Ile (NM_001123383.2, NM_001123384.2, NM_017745.6); short protein forms V831I.
Identifiers: ClinVar variation 3776542 (VCV003776542.1).

ClinVar aggregate classification (germline): Uncertain significance (1 of 4 stars; one submission).

gnomAD v4.1: 1 of 1,211,859 alleles (0.000083%); highest among the groups gnomAD compares: Non-Finnish European, 0.00011%; no homozygotes.

Submission:

GeneDx
Classification: Uncertain significance. Last evaluated: 2024-09-28. Review status: criteria provided, single submitter. Criteria: GeneDx Variant Classification Process June 2021. Collection method: clinical testing. Allele origin: germline. Affected: yes.
Comment: Not observed at significant frequency in large population cohorts (gnomAD); In silico analysis indicates that this missense variant does not alter protein structure/function; Has not been previously published as pathogenic or benign to our knowledge